The following is an entry in ClinVar:

NM_001378778.1(MPDZ):c.4576G>A (p.Gly1526Arg)

Gene: MPDZ (multiple PDZ domain crumbs cell polarity complex component; minus strand). Cytogenetic location: 9p23.
Variant type: single nucleotide variant.
Coding change: c.4576G>A on transcript NM_001378778.1 (MANE Select); coding-DNA position 4576, G replaced by A.
Protein change: p.Gly1526Arg; replaces glycine 1526 with arginine.
Molecular consequence: missense variant.
Genome position (GRCh38, 1-based): chr9:13,126,572, C>T on the plus strand (G>A on the coding strand, the complement: MPDZ is on the minus strand). VCF-style: chr9-13126572-C-T. GRCh37 (hg19) VCF-style: chr9-13126571-C-T.
Other names: c.4477G>A, p.Gly1493Arg (NM_001261406.2, NM_001261407.2, NM_001375416.1 and 3 more transcripts); c.4576G>A, p.Gly1526Arg (NM_001330637.2, NM_003829.5); c.4675G>A, p.Gly1559Arg (NM_001375413.1); c.4366G>A, p.Gly1456Arg (NM_001375420.1, NM_001375421.1, NM_001375422.1 and 4 more transcripts); c.4168G>A, p.Gly1390Arg (NM_001375427.1); short protein forms G1390R, G1456R, G1493R, G1526R, G1559R.
Identifiers: ClinVar variation 2072184 (VCV002072184.2), dbSNP rs758008321, ClinGen allele CA4986637.
Genomic context (GRCh38, chr9:13,126,572, plus strand): 5'-TTACCTTTTCAATAGGGTAACCAACAACAATTTCATCATCTACAGCCAGTATCTGATCTC[C>T]GACTTTGAGTCGTCCATCCTAAATGGAAACGTAGAAGAATTTGAGTGATATTCCAAAAGT-3'
Protein context (NP_001365707.1, residues 1516-1536): VAATDGRLKV[Gly1526Arg]DQILAVDDEI

ClinVar aggregate classification (germline): Uncertain significance (1 of 4 stars; one submission).

Allele frequency attached by ClinVar (database versions not stated): gnomAD 0.00001; TOPMed 0.00002; ExAC 0.00005.
gnomAD v4.1: 87 of 1,594,782 alleles (0.0055%); highest among the groups gnomAD compares: South Asian, 0.01%; no homozygotes.

Submission:

Labcorp Genetics (formerly Invitae), Labcorp
Classification: Uncertain significance. Last evaluated: 2024-10-15. Review status: criteria provided, single submitter. Criteria: Invitae Variant Classification Sherloc (09022015). Collection method: clinical testing. Allele origin: germline.
Comment: This sequence change replaces glycine, which is neutral and non-polar, with arginine, which is basic and polar, at codon 1526 of the MPDZ protein (p.Gly1526Arg). This variant is present in population databases (rs758008321, gnomAD 0.01%). This variant has not been reported in the literature in individuals affected with MPDZ-related conditions. ClinVar contains an entry for this variant (Variation ID: 2072184). An algorithm developed to predict the effect of missense changes on protein structure and function (PolyPhen-2) suggests that this variant is likely to be disruptive. In summary, the available evidence is currently insufficient to determine the role of this variant in disease. Therefore, it has been classified as a Variant of Uncertain Significance.